The following is an entry in ClinVar:

ClinVar aggregate classification (germline): Uncertain significance (1 of 4 stars; one submission).

Conditions:
Cryptosporidiosis-chronic cholangitis-liver disease syndrome. Also called: IL21R immunodeficiency; Immunodeficiency type 56. Identifiers: Orphanet 357329, MedGen C3554687, MONDO:0014082, OMIM 615207.

Allele frequency attached by ClinVar (database versions not stated): TOPMed 0.00001; gnomAD 0.00002 and 0.00003; gnomAD exomes 0.00002; ExAC 0.00003; 1000 Genomes Project 30x 0.00016; 1000 Genomes Project 0.00020.

Submission:

Labcorp Genetics (formerly Invitae), Labcorp
Classification: Uncertain significance for Cryptosporidiosis-chronic cholangitis-liver disease syndrome. Last evaluated: 2024-10-16. Review status: criteria provided, single submitter. Criteria: Invitae Variant Classification Sherloc (09022015). Collection method: clinical testing. Allele origin: germline.
Comment: This sequence change replaces proline, which is neutral and non-polar, with leucine, which is neutral and non-polar, at codon 353 of the IL21R protein (p.Pro353Leu). This variant is present in population databases (rs550842554, gnomAD 0.004%). This variant has not been reported in the literature in individuals affected with IL21R-related conditions. ClinVar contains an entry for this variant (Variation ID: 1051891). Invitae Evidence Modeling of protein sequence and biophysical properties (such as structural, functional, and spatial information, amino acid conservation, physicochemical variation, residue mobility, and thermodynamic stability) indicates that this missense variant is not expected to disrupt IL21R protein function with a negative predictive value of 80%. In summary, the available evidence is currently insufficient to determine the role of this variant in disease. Therefore, it has been classified as a Variant of Uncertain Significance.

NM_181078.3(IL21R):c.1058C>T (p.Pro353Leu)

Genes: IL21R (interleukin 21 receptor; plus strand), IL21R-AS1 (IL21R antisense RNA 1; minus strand). Cytogenetic location: 16p12.1.
Variant type: single nucleotide variant.
Coding change: c.1058C>T on transcript NM_181078.3 (MANE Select); coding-DNA position 1058, C replaced by T.
Protein change: p.Pro353Leu; replaces proline 353 with leucine.
Molecular consequence: missense variant. On other transcripts: non-coding transcript variant (1).
Genome position (GRCh38, 1-based): chr16:27,448,724, C>T. VCF-style: chr16-27448724-C-T. GRCh37 (hg19) VCF-style: chr16-27460045-C-T.
Other names: c.1058C>T, p.Pro353Leu (NM_021798.4); c.1124C>T, p.Pro375Leu (NM_181079.5); short protein forms P353L, P375L.
Identifiers: ClinVar variation 1051891 (VCV001051891.8), dbSNP rs550842554, ClinGen allele CA7975141.
Genomic context (GRCh38, chr16:27,448,724, plus strand): 5'-AGCTACAAGAACCAGCAGAGCTGGTGGAGTCTGACGGTGTGCCCAAGCCCAGCTTCTGGC[C>T]GACAGCCCAGAACTCGGGGGGCTCAGCTTACAGTGAGGAGAGGGATCGGCCATACGGCCT-3'
Protein context (NP_851564.1, residues 343-363): SDGVPKPSFW[Pro353Leu]TAQNSGGSAY